The following is an entry in ClinVar:

ClinVar aggregate classification (germline): Uncertain significance (1 of 4 stars; one submission).

Submission:

Labcorp Genetics (formerly Invitae), Labcorp
Classification: Uncertain significance. Last evaluated: 2021-06-06. Review status: criteria provided, single submitter. Criteria: Invitae Variant Classification Sherloc (09022015). Collection method: clinical testing. Allele origin: germline.
Comment: This sequence change replaces aspartic acid with glycine at codon 31 of the KDM5A protein (p.Asp31Gly). The aspartic acid residue is moderately conserved and there is a moderate physicochemical difference between aspartic acid and glycine. This variant is not present in population databases (ExAC no frequency). This variant has not been reported in the literature in individuals with KDM5A-related conditions. Algorithms developed to predict the effect of missense changes on protein structure and function are either unavailable or do not agree on the potential impact of this missense change (SIFT: "Tolerated"; PolyPhen-2: "Probably Damaging"; Align-GVGD: "Class C0"). Algorithms developed to predict the effect of sequence changes on RNA splicing suggest that this variant may create or strengthen a splice site, but this prediction has not been confirmed by published transcriptional studies. In summary, the available evidence is currently insufficient to determine the role of this variant in disease. Therefore, it has been classified as a Variant of Uncertain Significance.

NM_001042603.3(KDM5A):c.92A>G (p.Asp31Gly)

Gene: KDM5A (lysine demethylase 5A; minus strand). Cytogenetic location: 12p13.33.
Variant type: single nucleotide variant.
Coding change: c.92A>G on transcript NM_001042603.3 (MANE Select); coding-DNA position 92, A replaced by G.
Protein change: p.Asp31Gly; replaces aspartic acid 31 with glycine.
Molecular consequence: missense variant.
Genome position (GRCh38, 1-based): chr12:389,000, T>C on the plus strand (A>G on the coding strand, the complement: KDM5A is on the minus strand). VCF-style: chr12-389000-T-C. GRCh37 (hg19) VCF-style: chr12-498166-T-C.
Other names: short protein forms D31G.
Identifiers: ClinVar variation 1359422 (VCV001359422.6), dbSNP rs2137507851, ClinGen allele CA383634599.
Genomic context (GRCh38, chr12:389,000, plus strand): 5'-ATTTTGCAGATGCCGGTTTTCTCCGCCAAAGGCCGGATGCGGCCGATAAAGCTGAGCGGA[T>C]CTGTGAACTCCTCCCAACTCGGCTCAAAGACGGGGCACTCTGGCGGTGGCACGAACTCCG-3'
Protein context (NP_001036068.1, residues 21-41): VFEPSWEEFT[Asp31Gly]PLSFIGRIRP